The following is an entry in ClinVar:

NM_030665.4(RAI1):c.2167A>G (p.Thr723Ala)

Gene: RAI1 (retinoic acid induced 1; plus strand). Cytogenetic location: 17p11.2.
Variant type: single nucleotide variant.
Coding change: c.2167A>G on transcript NM_030665.4 (MANE Select); coding-DNA position 2167, A replaced by G.
Protein change: p.Thr723Ala; replaces threonine 723 with alanine.
Molecular consequence: missense variant.
Genome position (GRCh38, 1-based): chr17:17,795,115, A>G. VCF-style: chr17-17795115-A-G. GRCh37 (hg19) VCF-style: chr17-17698429-A-G.
Other names: short protein forms T723A.
Identifiers: ClinVar variation 1787001 (VCV001787001.2), dbSNP rs2508579908, ClinGen allele CA398550319.
Genomic context (GRCh38, chr17:17,795,115, plus strand): 5'-ACTGGTCCTCTCTCCTTTGGTACCAAGCCCACCCTTGGGGTTCCTGCTCCAGACCCCACT[A>G]CAGCAGCTTTTGACTGTTTCCCGGACACAACCGCTGCCAGCTCAGCGGACAGCGCCAACC-3'
Protein context (NP_109590.3, residues 713-733): TLGVPAPDPT[Thr723Ala]AAFDCFPDTT

ClinVar aggregate classification (germline): Uncertain significance (1 of 4 stars; one submission).

Conditions:
Inborn genetic diseases. Identifiers: MedGen C0950123, MeSH D030342.

Submission:

Ambry Genetics
Classification: Uncertain significance for Inborn genetic diseases. Last evaluated: 2017-10-30. Review status: criteria provided, single submitter. Criteria: Ambry Variant Classification Scheme 2023. Collection method: clinical testing. Allele origin: germline.
Comment: The p.T723A variant (also known as c.2167A>G), located in coding exon 1 of the RAI1 gene, results from an A to G substitution at nucleotide position 2167. The threonine at codon 723 is replaced by alanine, an amino acid with similar properties. This alteration was found to be paternally inherited and in cis with another RAI1 variant (p.G412D) in an individual with a Kleefstra syndrome (KS) phenotype who also carried a de novo EHMT1 alteration (Blackburn PR et al. J. Biol. Chem., 2017 Mar;292:3866-3876). This amino acid position is not well conserved in available vertebrate species, and A is the reference amino acid in other vertebrate species. In addition, this alteration is predicted to be tolerated by in silico analysis. Since supporting evidence is limited at this time, the clinical significance of this alteration remains unclear.

Literature cited by the submitters: PubMed 28057753.